The following is an entry in ClinVar:

ClinVar aggregate classification (germline): Likely benign (0 of 4 stars; one submission).

Conditions:
CXCR2-related disorder. Also called: CXCR2-related condition.

Allele frequency attached by ClinVar (database versions not stated): gnomAD exomes below 0.00001.

Submission:

PreventionGenetics, part of Exact Sciences
Classification: Likely benign for CXCR2-related condition. Last evaluated: 2023-10-18. Review status: no assertion criteria provided. Collection method: clinical testing. Allele origin: germline.
Comment: This variant is classified as likely benign based on ACMG/AMP sequence variant interpretation guidelines (Richards et al. 2015 PMID: 25741868, with internal and published modifications).

NM_001557.4(CXCR2):c.654T>C (p.Phe218=)

Gene: CXCR2 (C-X-C motif chemokine receptor 2; plus strand). Cytogenetic location: 2q35.
Variant type: single nucleotide variant.
Coding change: c.654T>C on transcript NM_001557.4 (MANE Select); coding-DNA position 654, T replaced by C.
Protein change: p.Phe218=; no amino-acid change (phenylalanine 218 retained).
Molecular consequence: synonymous variant.
Genome position (GRCh38, 1-based): chr2:218,135,455, T>C. VCF-style: chr2-218135455-T-C. GRCh37 (hg19) VCF-style: chr2-219000178-T-C.
Other names: c.654T>C, p.Phe218= (NM_001168298.2).
Identifiers: ClinVar variation 3029142 (VCV003029142.2), dbSNP rs2469115230, ClinGen allele CA431406581.